The following is an entry in ClinVar:

ClinVar aggregate classification (germline): Uncertain significance. Review status: criteria provided, multiple submitters, no conflicts (2 of 4 stars). 3 submissions from 3 submitters: Uncertain significance (3). Last evaluated 2025-09-19.

Conditions:
Colorectal cancer. Also called: Colorectal cancer, somatic; Malignant Colorectal Neoplasm. Identifiers: MedGen C0346629, MONDO:0005575, OMIM 114500.
Oligodontia-cancer predisposition syndrome. Also called: TOOTH AGENESIS-COLORECTAL CANCER SYNDROME. Identifiers: Orphanet 300576, MedGen C1837750, MONDO:0012075, OMIM 608615. Disease mechanism: loss of function.
Hereditary cancer-predisposing syndrome. Also called: Hereditary Cancer Syndrome; Hereditary neoplastic syndrome; Neoplastic Syndromes, Hereditary; Tumor predisposition. Identifiers: Orphanet 140162, MedGen C0027672, MeSH D009386, MONDO:0015356.

Allele frequency attached by ClinVar (database versions not stated): gnomAD 0.00001.
gnomAD v4.1: 1 of 1,611,290 alleles (0.000062%); highest among the groups gnomAD compares: African/African-American, 0.0013%; no homozygotes.

Submissions (3):

Ambry Genetics
Classification: Uncertain significance for Hereditary cancer-predisposing syndrome. Last evaluated: 2025-09-19. Review status: criteria provided, single submitter. Criteria: Ambry Variant Classification Scheme 2023. Collection method: clinical testing. Allele origin: germline.
Comment: The p.Q44L variant (also known as c.131A>T), located in coding exon 1 of the AXIN2 gene, results from an A to T substitution at nucleotide position 131. The glutamine at codon 44 is replaced by leucine, an amino acid with dissimilar properties. This amino acid position is conserved. In addition, this alteration is predicted to be tolerated by in silico analysis. Based on the available evidence, the clinical significance of this variant remains unclear.

Fulgent Genetics
Classification: Uncertain significance for Colorectal cancer; Oligodontia-cancer predisposition syndrome. Last evaluated: 2024-05-02. Review status: criteria provided, single submitter. Criteria: ACMG Guidelines, 2015. Collection method: clinical testing. Allele origin: germline.

Labcorp Genetics (formerly Invitae), Labcorp
Classification: Uncertain significance for Oligodontia-cancer predisposition syndrome. Last evaluated: 2023-07-18. Review status: criteria provided, single submitter. Criteria: Invitae Variant Classification Sherloc (09022015). Collection method: clinical testing. Allele origin: germline.
Comment: In summary, the available evidence is currently insufficient to determine the role of this variant in disease. Therefore, it has been classified as a Variant of Uncertain Significance. Advanced modeling of protein sequence and biophysical properties (such as structural, functional, and spatial information, amino acid conservation, physicochemical variation, residue mobility, and thermodynamic stability) performed at Invitae indicates that this missense variant is not expected to disrupt AXIN2 protein function. ClinVar contains an entry for this variant (Variation ID: 408779). This variant has not been reported in the literature in individuals affected with AXIN2-related conditions. The frequency data for this variant in the population databases is considered unreliable, as metrics indicate poor data quality at this position in the gnomAD database. This sequence change replaces glutamine, which is neutral and polar, with leucine, which is neutral and non-polar, at codon 44 of the AXIN2 protein (p.Gln44Leu).

NM_004655.4(AXIN2):c.131A>T (p.Gln44Leu)

Gene: AXIN2 (axin 2; minus strand). Cytogenetic location: 17q24.1.
Variant type: single nucleotide variant.
Coding change: c.131A>T on transcript NM_004655.4 (MANE Select); coding-DNA position 131, A replaced by T.
Protein change: p.Gln44Leu; replaces glutamine 44 with leucine.
Molecular consequence: missense variant.
Genome position (GRCh38, 1-based): chr17:65,558,490, T>A on the plus strand (A>T on the coding strand, the complement: AXIN2 is on the minus strand). VCF-style: chr17-65558490-T-A. GRCh37 (hg19) VCF-style: chr17-63554608-T-A.
Other names: c.131A>T (LRG_296t1); c.131A>T, p.Gln44Leu (NM_001363813.1); short protein forms Q44L.
Identifiers: ClinVar variation 408779 (VCV000408779.16), dbSNP rs1060502131, ClinGen allele CA16615641.
Genomic context (GRCh38, chr17:65,558,490, plus strand): 5'-TCCCCCAACCCATCTTCGTTCCGCCTGGTGTTGGAAGAGACAGGCATGGGTTTGGTGACC[T>A]GGCCCTTGCCCACCCCTGGCTGACACGGTGGGGTCTCCCCTTCTTCCCCTGGCACTGGGG-3'
Protein context (NP_004646.3, residues 34-54): PPCQPGVGKG[Gln44Leu]VTKPMPVSSN